The following is an entry in ClinVar:

ClinVar aggregate classification (germline): Uncertain significance (1 of 4 stars; one submission).

Submission:

Ambry Genetics
Classification: Uncertain significance. Last evaluated: 2025-11-17. Review status: criteria provided, single submitter. Criteria: Ambry Variant Classification Scheme 2023. Collection method: clinical testing. Allele origin: germline.
Comment: The p.S364N variant (also known as c.1091G>A), located in coding exon 8 of the RNF43 gene, results from a G to A substitution at nucleotide position 1091. The serine at codon 364 is replaced by asparagine, an amino acid with highly similar properties. This amino acid position is conserved. In addition, this alteration is predicted to be tolerated by in silico analysis. Based on the available evidence, the clinical significance of this variant remains unclear.

NM_017763.6(RNF43):c.1091G>A (p.Ser364Asn)

Gene: RNF43 (ring finger protein 43; minus strand). Cytogenetic location: 17q22.
Variant type: single nucleotide variant.
Coding change: c.1091G>A on transcript NM_017763.6 (MANE Select); coding-DNA position 1091, G replaced by A.
Protein change: p.Ser364Asn; replaces serine 364 with asparagine.
Molecular consequence: missense variant.
Genome position (GRCh38, 1-based): chr17:58,358,685, C>T on the plus strand (G>A on the coding strand, the complement: RNF43 is on the minus strand). VCF-style: chr17-58358685-C-T. GRCh37 (hg19) VCF-style: chr17-56436046-C-T.
Other names: c.1091G>A, p.Ser364Asn (NM_001305544.3, NM_001438820.1, NM_001438821.1 and 1 more transcripts); c.710G>A, p.Ser237Asn (NM_001305545.2, NM_001437987.1); short protein forms S364N, S237N.
Identifiers: ClinVar variation 4579001 (VCV004579001.1).
Genomic context (GRCh38, chr17:58,358,685, plus strand): 5'-CCCATGCCTGGCTCCTGGGATGGCAGGAAGGGACCAGGTCGTGGGGGCCGAGCCACTGCA[C>T]TCCGGGAAGGGCCCAACAGGTAGGCAGCAGGGAGGTGGTAGTGGGCATGGCCGGGATGCT-3'
Protein context (NP_060233.3, residues 354-374): PAAYLLGPSR[Ser364Asn]AVARPPRPGP